The following is an entry in ClinVar:

ClinVar aggregate classification (germline): Uncertain significance (1 of 4 stars; one submission).

Conditions:
Muscular dystrophy-dystroglycanopathy (congenital with brain and eye anomalies), type a, 8 (MDDGA8). Also called: WALKER-WARBURG SYNDROME OR MUSCLE-EYE-BRAIN DISEASE, GTDC2-RELATED. Identifiers: Orphanet 899, MedGen C3553813, MONDO:0013904, OMIM 614830.

Allele frequency attached by ClinVar (database versions not stated): gnomAD exomes below 0.00001.
gnomAD v4.1: 4 of 1,614,220 alleles (0.00025%); highest among the groups gnomAD compares: Non-Finnish European, 0.00034%; no homozygotes.

Submission:

Labcorp Genetics (formerly Invitae), Labcorp
Classification: Uncertain significance for Muscular dystrophy-dystroglycanopathy (congenital with brain and eye anomalies), type a, 8. Last evaluated: 2020-11-27. Review status: criteria provided, single submitter. Criteria: Invitae Variant Classification Sherloc (09022015). Collection method: clinical testing. Allele origin: germline.
Comment: In summary, the available evidence is currently insufficient to determine the role of this variant in disease. Therefore, it has been classified as a Variant of Uncertain Significance. Algorithms developed to predict the effect of missense changes on protein structure and function are either unavailable or do not agree on the potential impact of this missense change (SIFT: "Deleterious"; PolyPhen-2: "Possibly Damaging"; Align-GVGD: "Class C0"). This variant has not been reported in the literature in individuals with POMGNT2-related conditions. This variant is not present in population databases (ExAC no frequency). This sequence change replaces alanine with proline at codon 139 of the POMGNT2 protein (p.Ala139Pro). The alanine residue is highly conserved and there is a small physicochemical difference between alanine and proline.

NM_032806.6(POMGNT2):c.415G>C (p.Ala139Pro)

Gene: POMGNT2 (protein O-linked mannose N-acetylglucosaminyltransferase 2 (beta 1,4-); minus strand). Cytogenetic location: 3p22.1.
Variant type: single nucleotide variant.
Coding change: c.415G>C on transcript NM_032806.6 (MANE Select); coding-DNA position 415, G replaced by C.
Protein change: p.Ala139Pro; replaces alanine 139 with proline.
Molecular consequence: missense variant.
Genome position (GRCh38, 1-based): chr3:43,081,017, C>G on the plus strand (G>C on the coding strand, the complement: POMGNT2 is on the minus strand). VCF-style: chr3-43081017-C-G. GRCh37 (hg19) VCF-style: chr3-43122509-C-G.
Other names: short protein forms A139P.
Identifiers: ClinVar variation 1498348 (VCV001498348.8), dbSNP rs2125700805, ClinGen allele CA352303278.
Genomic context (GRCh38, chr3:43,081,017, plus strand): 5'-AGCGGTTGGCGATGAGGGCCACGTCTGGCACGAACACCGGCTTGGGCATGAAGCGCAGGG[C>G]AGCAGCAGGCAGCTCCACGAAGTTGAAGTACTGAGTGTTGTGGTCCTCCACGGTGGATAG-3'
Protein context (NP_116195.2, residues 129-149): YFNFVELPAA[Ala139Pro]LRFMPKPVFV